The following is an entry in ClinVar:

ClinVar aggregate classification (germline): Uncertain significance (1 of 4 stars; one submission).

Conditions:
Hereditary cancer-predisposing syndrome. Also called: Hereditary Cancer Syndrome; Hereditary neoplastic syndrome; Tumor predisposition; Neoplastic Syndromes, Hereditary. Identifiers: Orphanet 140162, MedGen C0027672, MeSH D009386, MONDO:0015356.
Cardiovascular phenotype. Identifiers: MedGen CN230736.

gnomAD v4.1: 1 of 1,609,928 alleles (0.000062%); no homozygotes.

Submission:

Ambry Genetics
Classification: Uncertain significance for Cardiovascular phenotype; Hereditary cancer-predisposing syndrome. Last evaluated: 2024-12-04. Review status: criteria provided, single submitter. Criteria: Ambry Variant Classification Scheme 2023. Collection method: clinical testing. Allele origin: germline.
Comment: The p.T406R variant (also known as c.1217C>G), located in coding exon 11 of the LZTR1 gene, results from a C to G substitution at nucleotide position 1217. The threonine at codon 406 is replaced by arginine, an amino acid with similar properties. This amino acid position is conserved. In addition, this alteration is predicted to be deleterious by in silico analysis. Based on the available evidence, the clinical significance of this variant remains unclear.

NM_006767.4(LZTR1):c.1217C>G (p.Thr406Arg)

Gene: LZTR1 (leucine zipper like post translational regulator 1; plus strand). Cytogenetic location: 22q11.21.
Variant type: single nucleotide variant.
Coding change: c.1217C>G on transcript NM_006767.4 (MANE Select); coding-DNA position 1217, C replaced by G.
Protein change: p.Thr406Arg; replaces threonine 406 with arginine.
Molecular consequence: missense variant.
Genome position (GRCh38, 1-based): chr22:20,992,861, C>G. VCF-style: chr22-20992861-C-G. GRCh37 (hg19) VCF-style: chr22-21347150-C-G.
Other names: short protein forms T406R.
Identifiers: ClinVar variation 3541560 (VCV003541560.1).